The following is an entry in ClinVar:

NM_001365999.1(SZT2):c.4343G>A (p.Arg1448His)

Gene: SZT2 (SZT2 subunit of KICSTOR complex; plus strand). Cytogenetic location: 1p34.2.
Variant type: single nucleotide variant.
Coding change: c.4343G>A on transcript NM_001365999.1 (MANE Select); coding-DNA position 4343, G replaced by A.
Protein change: p.Arg1448His; replaces arginine 1448 with histidine.
Molecular consequence: missense variant.
Genome position (GRCh38, 1-based): chr1:43,430,045, G>A. VCF-style: chr1-43430045-G-A. GRCh37 (hg19) VCF-style: chr1-43895716-G-A.
Other names: c.4172G>A, p.Arg1391His (NM_015284.4); short protein forms R1391H, R1448H.
Identifiers: ClinVar variation 587458 (VCV000587458.14), dbSNP rs775153972, ClinGen allele CA809255.

ClinVar aggregate classification (germline): Uncertain significance. Review status: criteria provided, multiple submitters, no conflicts (2 of 4 stars). 5 submissions from 4 submitters: Uncertain significance (5). Last evaluated 2023-04-11.

Conditions:
Developmental and epileptic encephalopathy, 1 (DEE1). Also called: Epileptic encephalopathy, early infantile, 1; X-linked infantile spasms; West's syndrome; Tonic spasms with clustering, arrest of psychomotor development and hypsarrhythmia on EEG; X-Linked Infantile Spasm Syndrome; INFANTILE SPASM SYNDROME, X-LINKED 1. Identifiers: MedGen C3463992, MONDO:0010632, OMIM 308350. Disease mechanism: loss of function.
Inborn genetic diseases. Identifiers: MedGen C0950123, MeSH D030342.
Developmental and epileptic encephalopathy, 18 (DEE18). Also called: Early infantile epileptic encephalopathy 18. Identifiers: Orphanet 369894, MedGen C3809624, MONDO:0014201, OMIM 615476.

Allele frequency attached by ClinVar (database versions not stated): TOPMed 0.00002; ExAC 0.00002.
gnomAD v4.1: 60 of 1,613,936 alleles (0.0037%); highest among the groups gnomAD compares: Admixed American, 0.005%; no homozygotes.

Submissions (5):

Genome-Nilou Lab
Classification: Uncertain significance for Developmental and epileptic encephalopathy, 18. Last evaluated: 2023-04-11. Review status: criteria provided, single submitter. Criteria: ACMG Guidelines, 2015. Collection method: clinical testing. Allele origin: germline. Affected: no.

Labcorp Genetics (formerly Invitae), Labcorp
Classification: Uncertain significance. Last evaluated: 2021-11-13. Review status: criteria provided, single submitter. Criteria: Invitae Variant Classification Sherloc (09022015). Collection method: clinical testing. Allele origin: germline.
Comment: This sequence change replaces arginine, which is basic and polar, with histidine, which is basic and polar, at codon 1391 of the SZT2 protein (p.Arg1391His). This variant is present in population databases (rs775153972, gnomAD 0.06%). This variant has not been reported in the literature in individuals affected with SZT2-related conditions. ClinVar contains an entry for this variant (Variation ID: 587458). Algorithms developed to predict the effect of missense changes on protein structure and function output the following: SIFT: "Deleterious"; PolyPhen-2: "Benign"; Align-GVGD: "Class C0". The histidine amino acid residue is found in multiple mammalian species, which suggests that this missense change does not adversely affect protein function. In summary, the available evidence is currently insufficient to determine the role of this variant in disease. Therefore, it has been classified as a Variant of Uncertain Significance.

Genomic Research Center, Shahid Beheshti University of Medical Sciences
Classification: Uncertain significance for Epileptic encephalopathy, early infantile, 1. Last evaluated: 2018-08-07. Review status: criteria provided, single submitter. Criteria: ACMG Guidelines, 2015. Collection method: clinical testing. Allele origin: inherited. Affected: no. Observed: 1 variant allele.

Genomic Research Center, Shahid Beheshti University of Medical Sciences
Classification: Uncertain significance for Early infantile epileptic encephalopathy 18. Last evaluated: 2018-08-07. Review status: criteria provided, single submitter. Criteria: ACMG Guidelines, 2015. Collection method: clinical testing. Allele origin: inherited. Affected: no. Observed: 1 variant allele.

Ambry Genetics
Classification: Uncertain significance for Inborn genetic diseases. Last evaluated: 2017-02-03. Review status: criteria provided, single submitter. Criteria: Ambry Variant Classification Scheme 2023. Collection method: clinical testing. Allele origin: germline.
Comment: The p.R1391H variant (also known as c.4172G>A), located in coding exon 29 of the SZT2 gene, results from a G to A substitution at nucleotide position 4172. The arginine at codon 1391 is replaced by histidine, an amino acid with highly similar properties. This amino acid position is poorly conserved in available vertebrate species. In addition, this alteration is predicted to be tolerated by in silico analysis. Since supporting evidence is limited at this time, the clinical significance of this alteration remains unclear.